The following is an entry in ClinVar:

NM_003072.5(SMARCA4):c.3775-9T>G

Gene: SMARCA4 (SWI/SNF related BAF chromatin remodeling complex subunit ATPase 4; plus strand). Cytogenetic location: 19p13.2.
Variant type: single nucleotide variant.
Coding change: c.3775-9T>G on transcript NM_003072.5 (MANE Select); 9 bases into the intron before coding-DNA position 3775, T replaced by G.
Molecular consequence: intron variant.
Genome position (GRCh38, 1-based): chr19:11,033,758, T>G. VCF-style: chr19-11033758-T-G. GRCh37 (hg19) VCF-style: chr19-11144434-T-G.
Other names: c.3775-9T>G (NM_001128844.3, NM_001128849.3, NM_001387283.1); c.3774+241T>G (NM_001128847.4, NM_001374457.1, NM_001128845.2 and 2 more transcripts).
Identifiers: ClinVar variation 1388730 (VCV001388730.8), dbSNP rs2146663886, ClinGen allele CA2573155690.

ClinVar aggregate classification (germline): Uncertain significance (1 of 4 stars; one submission).

Conditions:
Rhabdoid tumor predisposition syndrome 2 (RTPS2). Identifiers: Orphanet 231108, Orphanet 69077, MedGen C2750074, MONDO:0013224, OMIM 613325.

Submission:

Labcorp Genetics (formerly Invitae), Labcorp
Classification: Uncertain significance for Rhabdoid tumor predisposition syndrome 2. Last evaluated: 2021-05-10. Review status: criteria provided, single submitter. Criteria: Invitae Variant Classification Sherloc (09022015). Collection method: clinical testing. Allele origin: germline.
Comment: In summary, the available evidence is currently insufficient to determine the role of this variant in disease. Therefore, it has been classified as a Variant of Uncertain Significance. Algorithms developed to predict the effect of sequence changes on RNA splicing suggest that this variant may disrupt the consensus splice site, but this prediction has not been confirmed by published transcriptional studies. This variant has not been reported in the literature in individuals with SMARCA4-related conditions. This variant is not present in population databases (ExAC no frequency). This sequence change falls in intron 26 of the SMARCA4 gene. It does not directly change the encoded amino acid sequence of the SMARCA4 protein.